The following is an entry in ClinVar:

ClinVar aggregate classification (germline): Pathogenic. Review status: criteria provided, multiple submitters, no conflicts (2 of 4 stars). 5 submissions from 5 submitters: Pathogenic (4). 1 of the submissions does not count toward it. Last evaluated 2025-04-25.

Conditions:
Leber congenital amaurosis (LCA). Also called: Leber's amaurosis. Identifiers: Orphanet 65, MedGen C0339527, MeSH D057130, MONDO:0018998.
Leber congenital amaurosis 8 (LCA8). Identifiers: Orphanet 65, MedGen C3151202, MONDO:0013453, OMIM 613835.
Retinitis pigmentosa 12 (RP12). Also called: RP WITH OR WITHOUT PRESERVED PARAARTERIOLE RETINAL PIGMENT EPITHELIUM; RETINITIS PIGMENTOSA WITH OR WITHOUT PARAARTERIOLAR PRESERVATION OF RETINAL PIGMENT EPITHELIUM; RP WITH OR WITHOUT PPRPE. Identifiers: Orphanet 791, MedGen C1838647, MONDO:0010818, OMIM 600105.
CRB1-related disorder. Also called: CRB1-related disorders; CRB1-related condition.

Allele frequency attached by ClinVar (database versions not stated): gnomAD exomes below 0.00001.

Submissions (5):

Natera, Inc.
Classification: Pathogenic for Leber congenital amaurosis. Last evaluated: 2025-04-25. Review status: criteria provided, single submitter. Criteria: Natera Variant Classification Schema (03/2026). Collection method: clinical testing. Allele origin: germline.
Comment: The c.2263_2272del variant in CRB1 is a frameshift variant predicted to shift the reading frame beginning at codon 755 and leads to a stop codon 10 codons downstream. This variant is expected to result in nonsense mediated decay, truncation, or a dysfunctional protein product. This variant is rare in the general population with a frequency below the threshold expected for the associated phenotype(s). This variant has been observed in one or more individuals affected with the associated recessive disease, as either homozygous or compound heterozygous with a second variant (PMID: 37009079). Given the available evidence, this variant is classified as Pathogenic.

Labcorp Genetics (formerly Invitae), Labcorp
Classification: Pathogenic for Leber congenital amaurosis 8; Retinitis pigmentosa 12. Last evaluated: 2024-05-06. Review status: criteria provided, single submitter. Criteria: Invitae Variant Classification Sherloc (09022015). Collection method: clinical testing. Allele origin: germline.
Comment: This sequence change creates a premature translational stop signal (p.Leu755Alafs*10) in the CRB1 gene. It is expected to result in an absent or disrupted protein product. Loss-of-function variants in CRB1 are known to be pathogenic (PMID: 10508521, 22065545, 23379534, 25412400, 26957898, 28041643, 29391521). This variant is present in population databases (no rsID available, gnomAD 0.0009%). This premature translational stop signal has been observed in individual(s) with inherited retinal dystrophy (PMID: 17964524, 32037395). This variant is also known as Leu755 del10. For these reasons, this variant has been classified as Pathogenic.

Baylor Genetics
Classification: Pathogenic for Leber congenital amaurosis 8. Last evaluated: 2023-08-15. Review status: criteria provided, single submitter. Criteria: ACMG Guidelines, 2015. Collection method: clinical testing. Allele origin: unknown.

Blueprint Genetics
Classification: Pathogenic for CRB1-related disorders. Last evaluated: 2023-05-05. Review status: criteria provided, single submitter. Criteria: ACMG Guidelines, 2015. Collection method: clinical testing. Allele origin: germline. Affected: yes. Observed: 5 variant alleles.

PreventionGenetics, part of Exact Sciences
Classification: Pathogenic for CRB1-related condition. Last evaluated: 2024-04-18. Review status: no assertion criteria provided. Collection method: clinical testing. Allele origin: germline. Not counted in ClinVar's aggregate classification.
Comment: The CRB1 c.2263_2272del10 variant is predicted to result in a frameshift and premature protein termination (p.Leu755Alafs*10). This variant has been reported in the compound heterozygous state in individuals with retinal dystrophy (Table S2, Zampaglione et al. 2020. PubMed ID: 32037395; Table S4, Panneman et al. 2023. PubMed ID: 36819107). This variant is reported in 0.00088% of alleles in individuals of European (Non-Finnish) descent in gnomAD. Frameshift variants in CRB1 are expected to be pathogenic. Given the evidence, we interpret this variant as pathogenic.

Literature cited by the submitters: PubMed 37009079 (cited by Natera, Inc.); PubMed 10508521 (cited by Labcorp Genetics (formerly Invitae), Labcorp); PubMed 22065545 (cited by Labcorp Genetics (formerly Invitae), Labcorp); PubMed 23379534 (cited by Labcorp Genetics (formerly Invitae), Labcorp); PubMed 25412400 (cited by Labcorp Genetics (formerly Invitae), Labcorp); PubMed 26957898 (cited by Labcorp Genetics (formerly Invitae), Labcorp); PubMed 28041643 (cited by Labcorp Genetics (formerly Invitae), Labcorp); PubMed 29391521 (cited by Labcorp Genetics (formerly Invitae), Labcorp); PubMed 17964524 (cited by Labcorp Genetics (formerly Invitae), Labcorp); PubMed 32037395 (cited by Labcorp Genetics (formerly Invitae), Labcorp).

NM_201253.3(CRB1):c.2263_2272del (p.Leu755fs)

Gene: CRB1 (crumbs cell polarity complex component 1; plus strand). Cytogenetic location: 1q31.3.
Variant type: Deletion.
Coding change: c.2263_2272del on transcript NM_201253.3 (MANE Select); coding-DNA positions 2263 to 2272, 10 bases deleted (TTGGAAAACA; older notation c.2263_2272delTTGGAAAACA).
Protein change: p.Leu755fs; shifts the reading frame from leucine 755.
Molecular consequence: frameshift variant. On other transcripts: non-coding transcript variant (2), intron variant (1).
Genome position (GRCh38, 1-based): chr1:197,427,588-197,427,597, TTGGAAAACA deleted. VCF-style (leftmost placement, unchanged base first): chr1-197427587-TTTGGAAAACA-T. GRCh37 (hg19) VCF-style: chr1-197396717-TTTGGAAAACA-T.
Other names: c.1927_1936del, p.Leu643fs (NM_001193640.2); c.2056_2065del, p.Leu686fs (NM_001257965.2); c.2128+5632_2128+5641del (NM_001257966.2); c.2263_2272del10 (NM_201253.2); c.2263_2272del (NM_201253.2); short protein forms L643fs, L686fs, L755fs.
Identifiers: ClinVar variation 2680961 (VCV002680961.7), dbSNP rs1301895052, ClinGen allele CA528535357.